The following is an entry in ClinVar:

ClinVar aggregate classification (germline): Uncertain significance (1 of 4 stars; one submission).

Allele frequency attached by ClinVar (database versions not stated): gnomAD exomes below 0.00001.
gnomAD v4.1: 2 of 1,612,552 alleles (0.00012%); highest among the groups gnomAD compares: Admixed American, 0.0017%; no homozygotes.

Submission:

Labcorp Genetics (formerly Invitae), Labcorp
Classification: Uncertain significance. Last evaluated: 2024-02-16. Review status: criteria provided, single submitter. Criteria: Invitae Variant Classification Sherloc (09022015). Collection method: clinical testing. Allele origin: germline.
Comment: This sequence change affects an acceptor splice site in intron 7 of the TBX6 gene. It is expected to disrupt RNA splicing. Variants that disrupt the donor or acceptor splice site typically lead to a loss of protein function (PMID: 16199547), however the current clinical and genetic evidence is not sufficient to establish whether loss-of-function variants in TBX6 cause disease. This variant is present in population databases (no rsID available, gnomAD 0.003%). This variant has not been reported in the literature in individuals affected with TBX6-related conditions. ClinVar contains an entry for this variant (Variation ID: 1955484). Algorithms developed to predict the effect of sequence changes on RNA splicing suggest that this variant may disrupt the consensus splice site. In summary, the available evidence is currently insufficient to determine the role of this variant in disease. Therefore, it has been classified as a Variant of Uncertain Significance.

Literature cited by the submitters: PubMed 16199547.

NM_004608.4(TBX6):c.914-1G>A

Gene: TBX6 (T-box transcription factor 6; minus strand). Cytogenetic location: 16p11.2.
Variant type: single nucleotide variant.
Coding change: c.914-1G>A on transcript NM_004608.4 (MANE Select); the canonical splice acceptor site of the intron before coding-DNA position 914, G replaced by A.
Molecular consequence: splice acceptor variant.
Genome position (GRCh38, 1-based): chr16:30,086,696, C>T on the plus strand (G>A on the coding strand, the complement: TBX6 is on the minus strand). VCF-style: chr16-30086696-C-T. GRCh37 (hg19) VCF-style: chr16-30098017-C-T.
Identifiers: ClinVar variation 1955484 (VCV001955484.5), dbSNP rs1326044035, ClinGen allele CA395514220.